The following is an entry in ClinVar:

NM_000381.4(MID1):c.588C>G (p.Ala196=)

Gene: MID1 (midline 1; minus strand). Cytogenetic location: Xp22.2.
Variant type: single nucleotide variant.
Coding change: c.588C>G on transcript NM_000381.4 (MANE Select); coding-DNA position 588, C replaced by G.
Protein change: p.Ala196=; no amino-acid change (alanine 196 retained).
Molecular consequence: synonymous variant. On other transcripts: intron variant (2).
Genome position (GRCh38, 1-based): chrX:10,566,960, G>C on the plus strand (C>G on the coding strand, the complement: MID1 is on the minus strand). VCF-style: chrX-10566960-G-C. GRCh37 (hg19) VCF-style: chrX-10535000-G-C.
Other names: c.588C>G, p.Ala196= (NM_001098624.2, NM_001193277.1, NM_001193278.1 and 3 more transcripts); c.546+42C>G (NM_033289.2, NM_001193280.1).
Identifiers: ClinVar variation 195070 (VCV000195070.25), dbSNP rs41303167, ClinGen allele CA201534.
Genomic context (GRCh38, chrX:10,566,960, plus strand): 5'-ATAGCGCTCACTCAAAGCTGCCACCTGATGATCGCGGTGCCGCCCAACCAGTTTACACAA[G>C]GCACAGATTAACTGGTCATCGGTCACACAGTACATATTCACCTTCTCATCCTCATGCTCC-3'
Protein context (NP_000372.1, residues 186-206): YCVTDDQLIC[Ala196=]LCKLVGRHRD

ClinVar aggregate classification (germline): Benign/Likely benign. Review status: criteria provided, multiple submitters, no conflicts (2 of 4 stars). 6 submissions from 6 submitters: Benign (3); Likely benign (2). 1 of the submissions does not count toward it. Last evaluated 2026-02-02.

Conditions:
Inborn genetic diseases. Identifiers: MedGen C0950123, MeSH D030342.
MID1-related disorder. Also called: MID1-related condition.

Allele frequency attached by ClinVar (database versions not stated): 1000 Genomes Project 0.00079; 1000 Genomes Project 30x 0.00083; TOPMed 0.00155; ESP Exome Variant Server 0.00161; gnomAD exomes 0.00171 and 0.00226; gnomAD 0.00188 and 0.00189; ExAC 0.00192.
gnomAD v4.1: 2,673 of 1,210,045 alleles (0.22%); highest among the groups gnomAD compares: Non-Finnish European, 0.26%; 3 homozygotes.

Submissions (6):

Labcorp Genetics (formerly Invitae), Labcorp
Classification: Benign. Last evaluated: 2026-02-02. Review status: criteria provided, single submitter. Criteria: Invitae Variant Classification Sherloc (09022015). Collection method: clinical testing. Allele origin: germline.

Ambry Genetics
Classification: Benign for Inborn genetic diseases. Last evaluated: 2017-03-24. Review status: criteria provided, single submitter. Criteria: Ambry Variant Classification Scheme 2023. Collection method: clinical testing. Allele origin: germline.

Genetic Services Laboratory, University of Chicago
Classification: Benign. Last evaluated: 2016-03-04. Review status: criteria provided, single submitter. Criteria: ACMG Guidelines, 2015. Collection method: clinical testing. Allele origin: germline. Affected: no.

Eurofins Ntd Llc (ga)
Classification: Likely benign. Last evaluated: 2014-06-11. Review status: criteria provided, single submitter. Criteria: EGL Classification Definitions 2015. Collection method: clinical testing. Allele origin: germline.

Breakthrough Genomics
Classification: Likely benign. Review status: criteria provided, single submitter. Criteria: ACMG Guidelines, 2015. Collection method: not provided. Allele origin: germline. Inheritance: X-linked recessive inheritance. Affected: yes.

PreventionGenetics, part of Exact Sciences
Classification: Likely benign for MID1-related condition. Last evaluated: 2019-08-09. Review status: no assertion criteria provided. Collection method: clinical testing. Allele origin: germline. Not counted in ClinVar's aggregate classification.
Comment: This variant is classified as likely benign based on ACMG/AMP sequence variant interpretation guidelines (Richards et al. 2015 PMID: 25741868, with internal and published modifications).